The following is an entry in ClinVar:

ClinVar aggregate classification (germline): Uncertain significance (1 of 4 stars; one submission).

Conditions:
Usher syndrome type 1F (USH1F). Also called: USHER SYNDROME, TYPE IF. Identifiers: Orphanet 231169, Orphanet 886, MedGen C1865885, MONDO:0011186, OMIM 602083.

Submission:

Myriad Genetics, Inc.
Classification: Uncertain significance for Usher syndrome type 1F. Last evaluated: 2026-04-22. Review status: criteria provided, single submitter. Criteria: Myriad Autosomal Dominant, Autosomal Recessive and X-Linked Classification Criteria (2023). Collection method: clinical testing. Allele origin: unknown.
Comment: NM_033056.3(PCDH15):c.5003_5008dup6(F1669_S1670insYF) is an in-frame insertion classified as a variant of uncertain significance in the context of PCDH15-related disorders. F1669_S1670insYF has not been observed in cases with relevant disease. Relevant functional assessments of this variant are not available in the literature. F1669_S1670insYF has not been observed in referenced population frequency databases. In summary, there is insufficient evidence to classify NM_033056.3(PCDH15):c.5003_5008dup6(F1669_S1670insYF) as pathogenic or benign. Please note: this variant was assessed in the context of healthy population screening.

NM_033056.4(PCDH15):c.5003_5008dup (p.Phe1669_Ser1670insTyrPhe)

Gene: PCDH15 (protocadherin related 15; minus strand). Cytogenetic location: 10q21.1.
Variant type: Duplication.
Coding change: c.5003_5008dup on transcript NM_033056.4 (MANE Plus Clinical); coding-DNA positions 5003 to 5008, 6 bases duplicated (ACTTCT; older notation c.5003_5008dupACTTCT).
Protein change: p.Phe1669_Ser1670insTyrPhe.
Molecular consequence: inframe insertion. On other transcripts: intron variant (8).
Genome position (GRCh38, 1-based): chr10:53,822,718-53,822,723, AGAAGT duplicated on the plus strand (ACTTCT on the coding strand, the reverse complement: PCDH15 is on the minus strand). VCF-style (leftmost placement, unchanged base first): chr10-53822717-G-GAGAAGT. GRCh37 (hg19) VCF-style: chr10-55582477-G-GAGAAGT.
Other names: c.5024_5029dup, p.Phe1676_Ser1677insTyrPhe (NM_001142763.2); c.5009_5014dup, p.Phe1671_Ser1672insTyrPhe (NM_001142764.2); c.4796_4801dup, p.Phe1600_Ser1601insTyrPhe (NM_001142765.2); c.4994_4999dup, p.Phe1666_Ser1667insTyrPhe (NM_001142766.2); c.4883_4888dup, p.Phe1629_Ser1630insTyrPhe (NM_001142767.2); c.4943_4948dup, p.Phe1649_Ser1650insTyrPhe (NM_001142768.2); c.4934_4939dup, p.Phe1646_Ser1647insTyrPhe (NM_001142773.2); c.4937_4942dup, p.Phe1647_Ser1648insTyrPhe (NM_001354404.2); and 6 more.
Identifiers: ClinVar variation 5004624 (VCV005004624.1).